The following is an entry in ClinVar:

ClinVar aggregate classification (germline): Uncertain significance. Review status: criteria provided, multiple submitters, no conflicts (2 of 4 stars). 4 submissions from 4 submitters: Uncertain significance (4). Last evaluated 2025-05-05.

Allele frequency attached by ClinVar (database versions not stated): gnomAD exomes 0.00002 and 0.00005; ExAC 0.00003; gnomAD 0.00005; TOPMed 0.00005; ESP Exome Variant Server 0.00008.
gnomAD v4.1: 32 of 1,610,330 alleles (0.002%); highest among the groups gnomAD compares: Admixed American, 0.015%; no homozygotes.

Submissions (4):

GeneDx
Classification: Uncertain significance. Last evaluated: 2025-05-05. Review status: criteria provided, single submitter. Criteria: GeneDx Variant Classification Process June 2021. Collection method: clinical testing. Allele origin: germline. Affected: yes.
Comment: In silico analysis supports that this missense variant has a deleterious effect on protein structure/function; Has not been previously published as pathogenic or benign to our knowledge

Athena Diagnostics
Classification: Uncertain significance. Last evaluated: 2023-05-03. Review status: criteria provided, single submitter. Criteria: Athena Diagnostics Criteria. Collection method: clinical testing. Allele origin: unknown.
Comment: Available data are insufficient to determine the clinical significance of the variant at this time. The frequency of this variant in the general population is uninformative in assessment of its pathogenicity. Computational tools disagree on the variant's effect on normal protein function.

Blueprint Genetics
Classification: Uncertain significance. Last evaluated: 2022-12-16. Review status: criteria provided, single submitter. Criteria: ACMG Guidelines, 2015. Collection method: clinical testing. Allele origin: germline.

Labcorp Genetics (formerly Invitae), Labcorp
Classification: Uncertain significance. Last evaluated: 2022-10-17. Review status: criteria provided, single submitter. Criteria: Invitae Variant Classification Sherloc (09022015). Collection method: clinical testing. Allele origin: germline.
Comment: This sequence change replaces arginine, which is basic and polar, with cysteine, which is neutral and slightly polar, at codon 416 of the COQ8A protein (p.Arg416Cys). This variant is present in population databases (rs151292389, gnomAD 0.02%). This variant has not been reported in the literature in individuals affected with COQ8A-related conditions. ClinVar contains an entry for this variant (Variation ID: 1367563). Advanced modeling of protein sequence and biophysical properties (such as structural, functional, and spatial information, amino acid conservation, physicochemical variation, residue mobility, and thermodynamic stability) has been performed at Invitae for this missense variant, however the output from this modeling did not meet the statistical confidence thresholds required to predict the impact of this variant on COQ8A protein function. In summary, the available evidence is currently insufficient to determine the role of this variant in disease. Therefore, it has been classified as a Variant of Uncertain Significance.

NM_020247.5(COQ8A):c.1246C>T (p.Arg416Cys)

Gene: COQ8A (coenzyme Q8A; plus strand). Cytogenetic location: 1q42.13.
Variant type: single nucleotide variant.
Coding change: c.1246C>T on transcript NM_020247.5 (MANE Select); coding-DNA position 1246, C replaced by T.
Protein change: p.Arg416Cys; replaces arginine 416 with cysteine.
Molecular consequence: missense variant.
Genome position (GRCh38, 1-based): chr1:226,983,844, C>T. VCF-style: chr1-226983844-C-T. GRCh37 (hg19) VCF-style: chr1-227171545-C-T.
Other names: c.1246C>T (NM_020247.4); short protein forms R416C.
Identifiers: ClinVar variation 1367563 (VCV001367563.8), dbSNP rs151292389, ClinGen allele CA1425375.
Genomic context (GRCh38, chr1:226,983,844, plus strand): 5'-GACGTGCTGAGGCGGGAGCTGGCCCTGGAGTGTGACTACCAGCGAGAGGCCGCCTGTGCC[C>T]GCAAGTTCAGGTGTGGCCCCCGGCCGGGCCCCTTGCGTGTTTGCACCAGGGAGGCAGAAG-3'
Protein context (NP_064632.2, residues 406-426): CDYQREAACA[Arg416Cys]KFRDLLKGHP